The following is an entry in ClinVar:

ClinVar aggregate classification (germline): Uncertain significance (1 of 4 stars; one submission).

gnomAD v4.1: 4 of 1,608,392 alleles (0.00025%); highest among the groups gnomAD compares: African/African-American, 0.0053%; no homozygotes.

Submission:

GeneDx
Classification: Uncertain significance. Last evaluated: 2025-05-30. Review status: criteria provided, single submitter. Criteria: GeneDx Variant Classification Process June 2021. Collection method: clinical testing. Allele origin: germline. Affected: yes.
Comment: Not observed at significant frequency in large population cohorts (gnomAD); In silico analysis supports that this missense variant has a deleterious effect on protein structure/function; Has not been previously published as pathogenic or benign to our knowledge

NM_173477.5(USH1G):c.776G>T (p.Gly259Val)

Gene: USH1G (USH1 protein network component sans; minus strand). Cytogenetic location: 17q25.1.
Variant type: single nucleotide variant.
Coding change: c.776G>T on transcript NM_173477.5 (MANE Select); coding-DNA position 776, G replaced by T.
Protein change: p.Gly259Val; replaces glycine 259 with valine.
Molecular consequence: missense variant.
Genome position (GRCh38, 1-based): chr17:74,920,060, C>A on the plus strand (G>T on the coding strand, the complement: USH1G is on the minus strand). VCF-style: chr17-74920060-C-A. GRCh37 (hg19) VCF-style: chr17-72916155-C-A.
Other names: c.467G>T, p.Gly156Val (NM_001282489.3); short protein forms G156V, G259V.
Identifiers: ClinVar variation 4532363 (VCV004532363.1).